The following is an entry in ClinVar:

ClinVar aggregate classification (germline): Likely pathogenic. Review status: criteria provided, single submitter (1 of 4 stars). 2 submissions from 2 submitters: Likely pathogenic (1). 1 of the submissions does not count toward it. Last evaluated 2017-11-22.

Conditions:
Retinoblastoma (RB1). Also called: RETINOBLASTOMA, SOMATIC. Identifiers: Orphanet 790, MedGen C0035335, MeSH D012175, MONDO:0008380, OMIM 180200, HP:0009919. Disease mechanism: loss of function. Inheritance: Both sporadic and heritable forms are tested..
Hereditary cancer-predisposing syndrome. Also called: Tumor predisposition; Hereditary neoplastic syndrome; Neoplastic Syndromes, Hereditary; Hereditary Cancer Syndrome. Identifiers: Orphanet 140162, MedGen C0027672, MeSH D009386, MONDO:0015356.

Submissions (2):

Ambry Genetics
Classification: Likely pathogenic for Hereditary cancer-predisposing syndrome. Last evaluated: 2017-11-22. Review status: criteria provided, single submitter. Criteria: Ambry Variant Classification Scheme 2023. Collection method: clinical testing. Allele origin: germline.
Comment: The c.1696-2A>G intronic variant results from an A to G substitution two nucleotides upstream from coding exon 18 in the RB1 gene. This alteration has been reported in multiple individuals with retinoblastoma (Eloy P et al. PLoS Genet., 2016 Feb;12:e1005888; Dimaras H et al. Arch. Ophthalmol., 2011 Mar;129:362-5; Price EA et al. J. Med. Genet. 2014 Mar;51(3):208-14); however, in one family, the alteration demonstrated reduced penetrance with only 2 of 4 carriers diagnosed with retinoblastoma (Eloy P et al. PLoS Genet., 2016 Feb;12:e1005888). This nucleotide position is highly conserved in available vertebrate species. Using the BDGP and ESEfinder splice site prediction tools, this alteration is predicted to abolish the native splice acceptor site; however, direct evidence is unavailable. Alterations that disrupt the canonical splice site are expected to cause aberrant splicing, resulting in an abnormal protein or a transcript that is subject to nonsense-mediated mRNA decay. As such, this alteration is classified as likely pathogenic.

Bioscientia Institut fuer Medizinische Diagnostik GmbH, Sonic Healthcare
Classification: Likely pathogenic for Retinoblastoma. Last evaluated: 2019-01-21. Review status: no assertion criteria provided. Collection method: clinical testing. Allele origin: germline. Affected: yes. Not counted in ClinVar's aggregate classification.

Literature cited by the submitters: PubMed 21402997 (cited by Ambry Genetics); PubMed 26925970 (cited by Ambry Genetics).

NM_000321.3(RB1):c.1696-2A>G

Gene: RB1 (RB transcriptional corepressor 1; plus strand). Cytogenetic location: 13q14.2.
Variant type: single nucleotide variant.
Coding change: c.1696-2A>G on transcript NM_000321.3 (MANE Select); the canonical splice acceptor site of the intron before coding-DNA position 1696, A replaced by G.
Molecular consequence: splice acceptor variant.
Genome position (GRCh38, 1-based): chr13:48,452,991, A>G. VCF-style: chr13-48452991-A-G. GRCh37 (hg19) VCF-style: chr13-49027127-A-G.
Other names: c.1696-2A>G (NM_001407165.1).
Identifiers: ClinVar variation 635474 (VCV000635474.4), dbSNP rs1593529868, ClinGen allele CA388165416.
Genomic context (GRCh38, chr13:48,452,991, plus strand): 5'-GATATGTACCTGGGAAAATTATGCTTACTAATGTGGTTTTAATTTCATCATGTTTCATAT[A>G]GGATTCACCTTTATTTGATCTTATTAAACAATCAAAGGACCGAGAAGGACCAACTGATCA-3'